The following is an entry in ClinVar:

NM_000051.4(ATM):c.3796G>A (p.Asp1266Asn)

Gene: ATM (ATM serine/threonine kinase; plus strand). Cytogenetic location: 11q22.3.
Variant type: single nucleotide variant.
Coding change: c.3796G>A on transcript NM_000051.4 (MANE Select); coding-DNA position 3796, G replaced by A.
Protein change: p.Asp1266Asn; replaces aspartic acid 1266 with asparagine.
Molecular consequence: missense variant.
Genome position (GRCh38, 1-based): chr11:108,284,276, G>A. VCF-style: chr11-108284276-G-A. GRCh37 (hg19) VCF-style: chr11-108155003-G-A.
Other names: c.3796G>A, p.Asp1266Asn (NM_001351834.2); short protein forms D1266N.
Identifiers: ClinVar variation 1171437 (VCV001171437.11), dbSNP rs2135705400, ClinGen allele CA382524657.
Genomic context (GRCh38, chr11:108,284,276, plus strand): 5'-TCTATTTTTAGATCTTGTTATAAGGTTTTGATTCCACATCTGGTGATTAGAAGTCATTTT[G>A]ATGAGGTGAAGTCCATTGCTAATCAGATTCAAGAGGACTGGAAAAGTCTTCTAACAGACT-3'
Protein context (NP_000042.3, residues 1256-1276): IPHLVIRSHF[Asp1266Asn]EVKSIANQIQ

ClinVar aggregate classification (germline): Uncertain significance. Review status: criteria provided, multiple submitters, no conflicts (2 of 4 stars). 2 submissions from 2 submitters: Uncertain significance (2). Last evaluated 2024-03-06.

Conditions:
Ataxia-telangiectasia syndrome (AT). Also called: Ataxia telangiectasia (A-T); ATAXIA-TELANGIECTASIA, COMPLEMENTATION GROUP A; ATAXIA-TELANGIECTASIA, FRESNO VARIANT; Ataxia-telangiectasia, complementation group D; AT, COMPLEMENTATION GROUP C; Ataxia-telangiectasia, complementation group E. Identifiers: Orphanet 100, MedGen C0004135, MONDO:0008840, OMIM 208900.
Hereditary cancer-predisposing syndrome. Also called: Hereditary neoplastic syndrome; Neoplastic Syndromes, Hereditary; Hereditary Cancer Syndrome; Tumor predisposition. Identifiers: Orphanet 140162, MedGen C0027672, MeSH D009386, MONDO:0015356.

Allele frequency attached by ClinVar (database versions not stated): gnomAD exomes below 0.00001.
gnomAD v4.1: 2 of 1,613,136 alleles (0.00012%); highest among the groups gnomAD compares: Non-Finnish European, 0.00017%; no homozygotes.

Submissions (2):

Color Diagnostics, LLC DBA Color Health
Classification: Uncertain significance for Hereditary cancer-predisposing syndrome. Last evaluated: 2024-03-06. Review status: criteria provided, single submitter. Criteria: ACMG Guidelines, 2015. Collection method: clinical testing. Allele origin: germline.
Comment: This missense variant replaces aspartic acid with asparagine at codon 1266 of the ATM protein. Computational prediction suggests that this variant may not impact protein structure and function (internally defined REVEL score threshold <= 0.5, PMID: 27666373). To our knowledge, functional studies have not been reported for this variant. This variant has not been reported in individuals affected with hereditary cancer in the literature. This variant has not been identified in the general population by the Genome Aggregation Database (gnomAD). The available evidence is insufficient to determine the role of this variant in disease conclusively. Therefore, this variant is classified as a Variant of Uncertain Significance.

Labcorp Genetics (formerly Invitae), Labcorp
Classification: Uncertain significance for Ataxia-telangiectasia syndrome. Last evaluated: 2022-01-12. Review status: criteria provided, single submitter. Criteria: Invitae Variant Classification Sherloc (09022015). Collection method: clinical testing. Allele origin: germline.
Comment: This sequence change replaces aspartic acid, which is acidic and polar, with asparagine, which is neutral and polar, at codon 1266 of the ATM protein (p.Asp1266Asn). This variant is not present in population databases (gnomAD no frequency). This variant has not been reported in the literature in individuals affected with ATM-related conditions. ClinVar contains an entry for this variant (Variation ID: 1171437). Advanced modeling of protein sequence and biophysical properties (such as structural, functional, and spatial information, amino acid conservation, physicochemical variation, residue mobility, and thermodynamic stability) performed at Invitae indicates that this missense variant is not expected to disrupt ATM protein function. In summary, the available evidence is currently insufficient to determine the role of this variant in disease. Therefore, it has been classified as a Variant of Uncertain Significance.